The following is an entry in ClinVar:

ClinVar aggregate classification (germline): Pathogenic (1 of 4 stars; one submission).

Conditions:
Progressive sclerosing poliodystrophy (MTDPS4A). Also called: ALPERS PROGRESSIVE INFANTILE POLIODYSTROPHY; NEURONAL DEGENERATION OF CHILDHOOD WITH LIVER DISEASE, PROGRESSIVE; Alpers Syndrome; ALPERS DIFFUSE DEGENERATION OF CEREBRAL GRAY MATTER WITH HEPATIC CIRRHOSIS; Alpers-Huttenlocher Syndrome; Mitochondrial DNA depletion syndrome 4A (Alpers type). Identifiers: Orphanet 726, MedGen C0205710, MONDO:0008758, OMIM 203700.

Submission:

Labcorp Genetics (formerly Invitae), Labcorp
Classification: Pathogenic for Progressive sclerosing poliodystrophy. Last evaluated: 2024-03-24. Review status: criteria provided, single submitter. Criteria: Invitae Variant Classification Sherloc (09022015). Collection method: clinical testing. Allele origin: germline.
Comment: This sequence change creates a premature translational stop signal (p.Leu74Serfs*190) in the POLG gene. It is expected to result in an absent or disrupted protein product. Loss-of-function variants in POLG are known to be pathogenic (PMID: 18546365). This variant is not present in population databases (gnomAD no frequency). This variant has not been reported in the literature in individuals affected with POLG-related conditions. For these reasons, this variant has been classified as Pathogenic.

Literature cited by the submitters: PubMed 18546365.

NM_002693.3(POLG):c.221_227del (p.Leu74fs)

Genes: POLG (DNA polymerase gamma, catalytic subunit; minus strand), POLGARF (POLG alternative reading frame; minus strand). Cytogenetic location: 15q26.1.
Variant type: Deletion.
Coding change: c.221_227del on transcript NM_002693.3 (MANE Select); coding-DNA positions 221 to 227, 7 bases deleted (TGGACAT; older notation c.221_227delTGGACAT).
Protein change: p.Leu74fs; shifts the reading frame from leucine 74.
Molecular consequence: frameshift variant.
Genome position (GRCh38, 1-based): chr15:89,333,528-89,333,534, ATGTCCA deleted on the plus strand (TGGACAT on the coding strand, the reverse complement: POLG is on the minus strand); deleting any 7 consecutive bases within chr15:89,333,528-89,333,537 gives the same sequence; the c. name uses the placement nearest the transcript's 3' end. VCF-style (leftmost placement, unchanged base first): chr15-89333527-GATGTCCA-G. GRCh37 (hg19) VCF-style: chr15-89876758-GATGTCCA-G.
Other names: c.276_282del, p.Gly93fs (NM_001430120.1); c.221_227del, p.Leu74fs (NM_001126131.2); short protein forms L74fs, G93fs.
Identifiers: ClinVar variation 3647526 (VCV003647526.2).